The following is an entry in ClinVar:

ClinVar aggregate classification (germline): Likely benign (1 of 4 stars; one submission).

Submission:

GeneDx
Classification: Likely benign. Last evaluated: 2018-07-14. Review status: criteria provided, single submitter. Criteria: GeneDx Variant Classification Process June 2021. Collection method: clinical testing. Allele origin: germline. Affected: yes.
Comment: See Variant Classification Assertion Criteria.

NM_182914.3(SYNE2):c.19658-84_19658-83insTTA

Gene: SYNE2 (spectrin repeat containing nuclear envelope protein 2; plus strand). Cytogenetic location: 14q23.2.
Variant type: Insertion.
Coding change: c.19658-84_19658-83insTTA on transcript NM_182914.3 (MANE Select); 84 bases into the intron before coding-DNA position 19658 through 83 bases into the intron before coding-DNA position 19658, TTA inserted.
Molecular consequence: intron variant.
Genome position: GRCh38 VCF-style: chr14-64219124-T-TTTA. GRCh37 (hg19) VCF-style: chr14-64685842-T-TTTA.
Other names: c.19589-84_19589-83insTTA (NM_015180.6); c.560-84_560-83insTTA (NM_182913.4); c.182-84_182-83insTTA (NM_182910.2).
Identifiers: ClinVar variation 1706671 (VCV001706671.2), dbSNP rs369808458, ClinGen allele CA614404192.